The following is an entry in ClinVar:

ClinVar aggregate classification (germline): Uncertain significance (1 of 4 stars; one submission).

Submission:

GeneDx
Classification: Uncertain significance. Last evaluated: 2026-03-17. Review status: criteria provided, single submitter. Criteria: GeneDx Variant Classification Process June 2021. Collection method: clinical testing. Allele origin: germline.
Comment: Not observed at significant frequency in large population cohorts (gnomAD); In silico analysis supports that this missense variant has a deleterious effect on protein structure/function; Has not been previously published as pathogenic or benign to our knowledge; In silico analysis suggests this variant may impact gene splicing. In the absence of RNA/functional studies, the actual effect of this sequence change is unknown.

NM_001134673.4(NFIA):c.245A>G (p.Asp82Gly)

Gene: NFIA (nuclear factor I A; plus strand). Cytogenetic location: 1p31.3.
Variant type: single nucleotide variant.
Coding change: c.245A>G on transcript NM_001134673.4 (MANE Select); coding-DNA position 245, A replaced by G.
Protein change: p.Asp82Gly; replaces aspartic acid 82 with glycine.
Molecular consequence: missense variant.
Genome position (GRCh38, 1-based): chr1:61,088,366, A>G. VCF-style: chr1-61088366-A-G. GRCh37 (hg19) VCF-style: chr1-61554038-A-G.
Other names: c.221A>G, p.Asp74Gly (NM_001145511.2); c.380A>G, p.Asp127Gly (NM_001145512.2); c.245A>G, p.Asp82Gly (NM_005595.5); short protein forms D82G, D127G, D74G.
Identifiers: ClinVar variation 5009334 (VCV005009334.1).